The following is an entry in ClinVar:

NM_177438.3(DICER1):c.1645T>A (p.Ser549Thr)

Gene: DICER1 (dicer 1, ribonuclease III; minus strand). Cytogenetic location: 14q32.13.
Variant type: single nucleotide variant.
Coding change: c.1645T>A on transcript NM_177438.3 (MANE Select); coding-DNA position 1645, T replaced by A.
Protein change: p.Ser549Thr; replaces serine 549 with threonine.
Molecular consequence: missense variant. On other transcripts: 5 prime UTR variant (1), non-coding transcript variant (6).
Genome position (GRCh38, 1-based): chr14:95,116,560, A>T on the plus strand (T>A on the coding strand, the complement: DICER1 is on the minus strand). VCF-style: chr14-95116560-A-T. GRCh37 (hg19) VCF-style: chr14-95582897-A-T.
Other names: c.1240T>A, p.Ser414Thr (NM_001395690.1, NM_001395687.1, NM_001395688.1 and 3 more transcripts); c.1078T>A, p.Ser360Thr (NM_001395691.1); c.1645T>A, p.Ser549Thr (NM_001395678.1, NM_001395679.1, NM_001395680.1 and 13 more transcripts); c.1363T>A, p.Ser455Thr (NM_001395686.1); c.-39T>A (NM_001395697.1); short protein forms S360T, S414T, S455T, S549T.
Identifiers: ClinVar variation 1777148 (VCV001777148.5), dbSNP rs2543031884, ClinGen allele CA390884887.
Genomic context (GRCh38, chr14:95,116,560, plus strand): 5'-TTTTGTCTGTATCCGCTAACATTATATAATTAGAGATGGGTGCCCTTGCTCTTCCTTTAG[A>T]TTGAACATAGGATCGATATTCTGTGGGCAAATCAAAACGAACCACCAAGTTGCATTTTGG-3'
Protein context (NP_803187.1, residues 539-559): LPTEYRSYVQ[Ser549Thr]KGRARAPISN

ClinVar aggregate classification (germline): Uncertain significance. Review status: criteria provided, multiple submitters, no conflicts (2 of 4 stars). 2 submissions from 2 submitters: Uncertain significance (2). Last evaluated 2024-11-22.

Conditions:
DICER1-related tumor predisposition. Also called: DICER1-related pleuropulmonary blastoma cancer predisposition syndrome; DICER1 syndrome. Identifiers: Orphanet 284343, MedGen C3839822, MONDO:0100216.
Hereditary cancer-predisposing syndrome. Also called: Tumor predisposition; Neoplastic Syndromes, Hereditary; Hereditary Cancer Syndrome; Hereditary neoplastic syndrome. Identifiers: Orphanet 140162, MedGen C0027672, MeSH D009386, MONDO:0015356.

Submissions (2):

Labcorp Genetics (formerly Invitae), Labcorp
Classification: Uncertain significance for DICER1-related tumor predisposition. Last evaluated: 2024-11-22. Review status: criteria provided, single submitter. Criteria: Invitae Variant Classification Sherloc (09022015). Collection method: clinical testing. Allele origin: germline.
Comment: This sequence change replaces serine, which is neutral and polar, with threonine, which is neutral and polar, at codon 549 of the DICER1 protein (p.Ser549Thr). This variant is not present in population databases (gnomAD no frequency). This variant has not been reported in the literature in individuals affected with DICER1-related conditions. ClinVar contains an entry for this variant (Variation ID: 1777148). Invitae Evidence Modeling of protein sequence and biophysical properties (such as structural, functional, and spatial information, amino acid conservation, physicochemical variation, residue mobility, and thermodynamic stability) indicates that this missense variant is not expected to disrupt DICER1 protein function with a negative predictive value of 95%. In summary, the available evidence is currently insufficient to determine the role of this variant in disease. Therefore, it has been classified as a Variant of Uncertain Significance.

Ambry Genetics
Classification: Uncertain significance for Hereditary cancer-predisposing syndrome. Last evaluated: 2024-05-28. Review status: criteria provided, single submitter. Criteria: Ambry Variant Classification Scheme 2023. Collection method: clinical testing. Allele origin: germline.
Comment: The p.S549T variant (also known as c.1645T>A), located in coding exon 9 of the DICER1 gene, results from a T to A substitution at nucleotide position 1645. The serine at codon 549 is replaced by threonine, an amino acid with similar properties. This amino acid position is highly conserved in available vertebrate species. In addition, the in silico prediction for this alteration is inconclusive. Based on the available evidence, the clinical significance of this variant remains unclear.